The following is an entry in ClinVar:

NM_000135.4(FANCA):c.2014+479_2504+1244del

Gene: FANCA (FA complementation group A; minus strand). Cytogenetic location: 16q24.3.
Variant type: Deletion.
Coding change: c.2014+479_2504+1244del on transcript NM_000135.4 (MANE Select); 479 bases into the intron after coding-DNA position 2014 through 1244 bases into the intron after coding-DNA position 2504, 4,200 bases deleted.
Molecular consequence: splice acceptor variant, splice donor variant.
Genome position (GRCh38, 1-based): chr16:89,768,593-89,772,792, 4,200 bases deleted. GRCh37 (hg19): chr16:89,835,002-89,839,201.
Other names: c.2014+479_2504+1244del (NM_001286167.3).
Identifiers: ClinVar variation 3377771 (VCV003377771.1).

ClinVar aggregate classification (germline): Pathogenic (1 of 4 stars; one submission).

Conditions:
Fanconi anemia complementation group A (FANCA). Also called: FANCA-Related Fanconi Anemia; Fanconi anemia, group A. Identifiers: Orphanet 84, MedGen C3469521, MONDO:0009215, OMIM 227650.

Submission:

St. Jude Molecular Pathology, St. Jude Children's Research Hospital
Classification: Pathogenic for Fanconi anemia complementation group A. Last evaluated: 2024-02-24. Review status: criteria provided, single submitter. Criteria: St. Jude Assertion Criteria 2020. Collection method: clinical testing. Allele origin: germline. Affected: yes.
Comment: The FANCA c.2014+479_2504+1244del variant is an intragenic deletion encompassing exons 23-26 of the FANCA gene. This deletion results in out-of-frame splicing of exon 22 to exon 27 and is expected to result in a disrupted protein product. Loss-of-function variants in FANCA are known to be pathogenic (PMID: 19367192). Similar deletions have been reported in individuals with Fanconi anemia (PMID: 9711872, 11344308, 12955722, 17924555, 21273304, 24584348, 24689079, 26799702, 27041517, 29098742). In summary, this variant meets criteria to be classified as pathogenic.